The following is an entry in ClinVar:

NM_000255.4(MMUT):c.671_678dup (p.Val227fs)

Gene: MMUT (methylmalonyl-CoA mutase; minus strand). Cytogenetic location: 6p12.3.
Variant type: Duplication.
Coding change: c.671_678dup on transcript NM_000255.4 (MANE Select); coding-DNA positions 671 to 678, 8 bases duplicated (AATTTATG; older notation c.671_678dupAATTTATG).
Protein change: p.Val227fs; shifts the reading frame from valine 227.
Molecular consequence: frameshift variant.
Genome position (GRCh38, 1-based): chr6:49,457,766-49,457,773, CATAAATT duplicated on the plus strand (AATTTATG on the coding strand, the reverse complement: MMUT is on the minus strand); duplicating any 8 consecutive bases within chr6:49,457,766-49,457,774 gives the same sequence; the c. name uses the placement nearest the transcript's 3' end. VCF-style (leftmost placement, unchanged base first): chr6-49457765-C-CCATAAATT. GRCh37 (hg19) VCF-style: chr6-49425478-C-CCATAAATT.
Other names: c.671_678dupAATTTATG (NM_000255.3, NM_000255.4); short protein forms V227fs.
Identifiers: ClinVar variation 554641 (VCV000554641.18), dbSNP rs758008398, ClinGen allele CA3847072.

ClinVar aggregate classification (germline): Pathogenic. Review status: criteria provided, multiple submitters, no conflicts (2 of 4 stars). 7 submissions from 7 submitters: Pathogenic (6). 1 of the submissions does not count toward it. Last evaluated 2026-02-24.

Conditions:
MUT-related disorders.
Methylmalonic acidemia (MMA). Also called: Isolated Methylmalonic Acidemia. Identifiers: MedGen C0268583, MeSH C537358, MONDO:0002012, HP:0002912.
Methylmalonic aciduria due to methylmalonyl-CoA mutase deficiency (MAMM). Also called: Methylmalonic aciduria, mut type. Identifiers: Orphanet 27, MedGen C1855114, MONDO:0009612, OMIM 251000.
Methylmalonic aciduria due to complete methylmalonyl-CoA mutase deficiency.

Submissions (7):

GeneDx
Classification: Pathogenic. Last evaluated: 2026-02-24. Review status: criteria provided, single submitter. Criteria: GeneDx Variant Classification Process June 2021. Collection method: clinical testing. Allele origin: germline.
Comment: Frameshift variant predicted to result in protein truncation or nonsense mediated decay in a gene for which loss of function is a known mechanism of disease; This variant is associated with the following publications: (PMID: 16281286, 39494389, 23045948, 16186538, 32754920, 32778825, 26790480, 15781192)

Labcorp Genetics (formerly Invitae), Labcorp
Classification: Pathogenic. Last evaluated: 2026-01-13. Review status: criteria provided, single submitter. Criteria: Invitae Variant Classification Sherloc (09022015). Collection method: clinical testing. Allele origin: germline.
Comment: This sequence change creates a premature translational stop signal (p.Val227Asnfs*16) in the MUT gene. It is expected to result in an absent or disrupted protein product. Loss-of-function variants in MUT are known to be pathogenic (PMID: 15781192). This variant is present in population databases (rs758008398, gnomAD 0.02%). This premature translational stop signal has been observed in individuals with methylmalonic aciduria (PMID: 15781192, 23045948). ClinVar contains an entry for this variant (Variation ID: 554641). Algorithms developed to predict the effect of sequence changes on RNA splicing suggest that this variant may disrupt the consensus splice site. For these reasons, this variant has been classified as Pathogenic.

Natera, Inc.
Classification: Pathogenic for Methylmalonic aciduria due to complete methylmalonyl-CoA mutase deficiency. Last evaluated: 2025-04-21. Review status: criteria provided, single submitter. Criteria: Natera Variant Classification Schema (03/2026). Collection method: clinical testing. Allele origin: germline.
Comment: The c.671_678dupAATTTATG variant in MMUT is a frameshift variant predicted to shift the reading frame beginning at codon 227 and leads to a stop codon 16 codons downstream. This variant is expected to result in nonsense mediated decay, truncation, or a dysfunctional protein product. This variant is rare in the general population with a frequency below the threshold expected for the associated phenotype(s). This variant has been observed in one or more individuals affected with the associated recessive disease, as either homozygous or compound heterozygous with a second variant (PMID: 15781192). Given the available evidence, this variant is classified as Pathogenic.

Women's Health and Genetics/Laboratory Corporation of America, LabCorp
Classification: Pathogenic for Methylmalonic acidemia. Last evaluated: 2021-02-25. Review status: criteria provided, single submitter. Criteria: LabCorp Variant Classification Summary - May 2015. Collection method: clinical testing. Allele origin: germline.
Comment: Variant summary: MUT c.671_678dupAATTTATG (p.Val227AsnfsX16) results in a premature termination codon, predicted to cause a truncation of the encoded protein or absence of the protein due to nonsense mediated decay, which are commonly known mechanisms for disease. Truncations downstream of this position have been classified as pathogenic by our laboratory. The variant allele was found at a frequency of 2.8e-05 in 250384 control chromosomes (gnomAD). c.671_678dupAATTTATG has been reported in the literature, in the homozygous and compound heterozygous states, in multiple individuals affected with Methylmalonic Acidemia (e.g. Martinez_2005, Worgan_2006, Harrington_2016). These data indicate that the variant is very likely to be associated with disease. Three ClinVar submitters (evaluation after 2014) cite the variant as pathogenic. Based on the evidence outlined above, the variant was classified as pathogenic.

Blueprint Genetics
Classification: Pathogenic for MUT-related disorders. Last evaluated: 2020-12-03. Review status: criteria provided, single submitter. Criteria: ACMG Guidelines, 2015. Collection method: clinical testing. Allele origin: germline. Affected: yes. Observed: 1 variant allele.

Rady Children's Institute for Genomic Medicine, Rady Children's Hospital San Diego
Classification: Pathogenic for METHYLMALONIC ACIDURIA DUE TO METHYLMALONYL-CoA MUTASE DEFICIENCY. Review status: criteria provided, single submitter. Criteria: ACMG Guidelines, 2015. Collection method: clinical testing. Allele origin: germline. Affected: yes.
Comment: This frameshifting variant in exon 3 of13 introduces a premature stop codon and is therefore predicted to result in loss of normal protein function through either protein truncation or nonsense-mediated mRNA decay (NMD). This variant has been previously reported as a compound heterozygous change in patients with methylmalonic aciduria (PMID: 15781192, 23045948). Loss-of-function variation in MUT is an established mechanism of disease (PMID: 15781192). The c.671_678dup (p.Val227AsnfsTer16) variant is present in the heterozygous state in the gnomAD population database at a frequency of 0.003% (7/250384), and is absent in the homozygous state, thus is presumed to be rare. Based on the available evidence, the c.671_678dup (p.Val227AsnfsTer16) variant is classified as Pathogenic.

Counsyl
Classification: Pathogenic for Methylmalonic aciduria due to methylmalonyl-CoA mutase deficiency. Last evaluated: 2017-10-27. Review status: no assertion criteria provided. Collection method: clinical testing. Allele origin: unknown. Not counted in ClinVar's aggregate classification.

Literature cited by the submitters: PubMed 15781192 (cited by 4 submitters); PubMed 23045948 (cited by Labcorp Genetics (formerly Invitae), Labcorp); PubMed 26790480 (cited by Women's Health and Genetics/Laboratory Corporation of America, LabCorp); PubMed 16281286 (cited by Women's Health and Genetics/Laboratory Corporation of America, LabCorp).